The following is an entry in ClinVar:

NM_003978.5(PSTPIP1):c.417+176G>T

Gene: PSTPIP1 (proline-serine-threonine phosphatase interacting protein 1; plus strand). Cytogenetic location: 15q24.3.
Variant type: single nucleotide variant.
Coding change: c.417+176G>T on transcript NM_003978.5 (MANE Select); 176 bases into the intron after coding-DNA position 417, G replaced by T.
Molecular consequence: intron variant.
Genome position (GRCh38, 1-based): chr15:77,028,090, G>T. VCF-style: chr15-77028090-G-T. GRCh37 (hg19) VCF-style: chr15-77320431-G-T.
Other names: c.612+176G>T (NM_001321137.1); c.390+176G>T (NM_001321136.2); c.417+176G>T (NM_001321135.2).
Identifiers: ClinVar variation 677774 (VCV000677774.1), dbSNP rs148152818, ClinGen allele CA273754734.

ClinVar aggregate classification (germline): Likely benign (1 of 4 stars; one submission).

Allele frequency attached by ClinVar (database versions not stated): 1000 Genomes Project 0.01458; 1000 Genomes Project 30x 0.01483.
gnomAD v4.1: 1,976 of 152,288 alleles (1.3%); highest among the groups gnomAD compares: African/African-American, 3.6%; 28 homozygotes.

Submission:

GeneDx
Classification: Likely benign. Last evaluated: 2018-06-19. Review status: criteria provided, single submitter. Criteria: GeneDx Variant Classification (06012015). Collection method: clinical testing. Allele origin: germline. Affected: yes.
Comment: This variant is considered likely benign or benign based on one or more of the following criteria: it is a conservative change, it occurs at a poorly conserved position in the protein, it is predicted to be benign by multiple in silico algorithms, and/or has population frequency not consistent with disease.